The following is an entry in ClinVar:

NM_022455.5(NSD1):c.6643_6644delinsGAT (p.Pro2215fs)

Gene: NSD1 (nuclear receptor binding SET domain protein 1; plus strand). Cytogenetic location: 5q35.3.
Variant type: Indel.
Coding change: c.6643_6644delinsGAT on transcript NM_022455.5 (MANE Select); coding-DNA positions 6643 to 6644, CC replaced by GAT.
Protein change: p.Pro2215fs; shifts the reading frame from proline 2215.
Molecular consequence: frameshift variant.
Genome position (GRCh38, 1-based): chr5:177,294,011-177,294,012, CC replaced by GAT. VCF-style: chr5-177294011-CC-GAT. GRCh37 (hg19) VCF-style: chr5-176721012-CC-GAT.
Other names: c.5770_5771delCCinsGAT, p.Pro1924Aspfs (NM_001365684.2, NM_001409308.1, NM_172349.5); c.6643_6644delCCinsGAT, p.Pro2215Aspfs (NM_001409301.1, NM_001409302.1, NM_001409303.1 and 1 more transcripts); c.6223_6224delCCinsGAT, p.Pro2075Aspfs (NM_001409304.1); c.5890_5891delCCinsGAT, p.Pro1964Aspfs (NM_001409305.1); c.5881_5882delCCinsGAT, p.Pro1961Aspfs (NM_001409306.1, NM_001409307.1); c.5521_5522delCCinsGAT, p.Pro1841Aspfs (NM_001409309.1); short protein forms P2215fs, P1946fs.
Identifiers: ClinVar variation 503779 (VCV000503779.3), dbSNP rs1554207344, ClinGen allele CA658796688.

ClinVar aggregate classification (germline): Likely pathogenic (1 of 4 stars; one submission).

Submission:

GeneDx
Classification: Likely pathogenic. Last evaluated: 2020-03-24. Review status: criteria provided, single submitter. Criteria: GeneDx Variant Classification Process June 2021. Collection method: clinical testing. Allele origin: germline. Affected: yes.
Comment: Frameshift variant in the C-terminus predicted to result in protein truncation, as the last 482 amino acids are lost and replaced with 5 incorrect amino acids; Not observed in large population cohorts (Lek et al., 2016); Has not been previously published as pathogenic or benign to our knowledge